The following is an entry in ClinVar:

ClinVar aggregate classification (germline): Conflicting classifications of pathogenicity. Review status: criteria provided, conflicting classifications (1 of 4 stars). 5 submissions from 5 submitters: Uncertain significance (1); Benign (1); Likely benign (2). 1 of the submissions does not count toward it. Last evaluated 2026-01-19.

Conditions:
Autosomal recessive nonsyndromic hearing loss 77. Identifiers: Orphanet 90636, MedGen C2746083, MONDO:0013119, OMIM 613079.

Allele frequency attached by ClinVar (database versions not stated): gnomAD exomes 0.00028; ExAC 0.00051; TOPMed 0.00108; 1000 Genomes Project 0.00120; ESP Exome Variant Server 0.00131; 1000 Genomes Project 30x 0.00156.
gnomAD v4.1: 318 of 1,551,680 alleles (0.02%); highest among the groups gnomAD compares: African/African-American, 0.39%; 1 homozygote.

Submissions (5):

Labcorp Genetics (formerly Invitae), Labcorp
Classification: Benign. Last evaluated: 2026-01-19. Review status: criteria provided, single submitter. Criteria: Invitae Variant Classification Sherloc (09022015). Collection method: clinical testing. Allele origin: germline.

Blueprint Genetics
Classification: Likely benign. Last evaluated: 2024-10-09. Review status: criteria provided, single submitter. Criteria: ACMG Guidelines, 2015. Collection method: clinical testing. Allele origin: germline.

Illumina Laboratory Services, Illumina
Classification: Uncertain significance for Autosomal recessive nonsyndromic hearing loss 77. Last evaluated: 2018-01-12. Review status: criteria provided, single submitter. Criteria: ICSL Variant Classification Criteria 13 December 2019. Collection method: clinical testing. Allele origin: germline.

Laboratory for Molecular Medicine, Mass General Brigham Personalized Medicine
Classification: Likely benign. Last evaluated: 2016-02-02. Review status: criteria provided, single submitter. Criteria: LMM Criteria. Collection method: clinical testing. Allele origin: germline. Observed: 1 variant allele.
Comment: p.Val1608Val in Exon 31 of LOXHD1: This variant is not expected to have clinical significance because it does not alter an amino acid residue and is not located within the splice consensus sequence. It has been identified in 0.4% (11/2752) of African chromosomes by the Exome Aggregation Consortium (ExAC; dbSNP rs114557260).

Natera, Inc.
Classification: Likely benign for Autosomal recessive deafness type 77. Last evaluated: 2020-01-07. Review status: no assertion criteria provided. Collection method: clinical testing. Allele origin: germline. Not counted in ClinVar's aggregate classification.

NM_001384474.1(LOXHD1):c.4824C>G (p.Val1608=)

Gene: LOXHD1 (lipoxygenase homology PLAT domains 1; minus strand). Cytogenetic location: 18q21.1.
Variant type: single nucleotide variant.
Coding change: c.4824C>G on transcript NM_001384474.1 (MANE Select); coding-DNA position 4824, C replaced by G.
Protein change: p.Val1608=; no amino-acid change (valine 1608 retained).
Molecular consequence: synonymous variant.
Genome position (GRCh38, 1-based): chr18:46,524,518, G>C on the plus strand (C>G on the coding strand, the complement: LOXHD1 is on the minus strand). VCF-style: chr18-46524518-G-C. GRCh37 (hg19) VCF-style: chr18-44104481-G-C.
Other names: c.1491C>G, p.Val497= (NM_001145472.3); c.1203C>G, p.Val401= (NM_001308013.2); c.4824C>G, p.Val1608= (NM_144612.7).
Identifiers: ClinVar variation 227527 (VCV000227527.21), dbSNP rs114557260, ClinGen allele CA8952291.
Genomic context (GRCh38, chr18:46,524,518, plus strand): 5'-TGGCTTACTTGGGCCCTCTTGAACGTAGTCAGCCATGGGCCCGGTCACTGTGCTGATGTC[G>C]ACATCGGCCATCTTGGAGCTCAGGGCGATCTCCCAGAAGTCAGCAGGGCTGCTGCAGTTG-3'
Protein context (NP_001371403.1, residues 1598-1618): EIALSSKMAD[Val1608=]DISTVTGPMA